The following is an entry in ClinVar:

NM_172364.5(CACNA2D4):c.341T>A (p.Ile114Asn)

Gene: CACNA2D4 (calcium voltage-gated channel auxiliary subunit alpha2delta 4; minus strand). Cytogenetic location: 12p13.33.
Variant type: single nucleotide variant.
Coding change: c.341T>A on transcript NM_172364.5 (MANE Select); coding-DNA position 341, T replaced by A.
Protein change: p.Ile114Asn; replaces isoleucine 114 with asparagine.
Molecular consequence: missense variant.
Genome position (GRCh38, 1-based): chr12:1,913,108, A>T on the plus strand (T>A on the coding strand, the complement: CACNA2D4 is on the minus strand). VCF-style: chr12-1913108-A-T. GRCh37 (hg19) VCF-style: chr12-2022274-A-T.
Other names: short protein forms I114N.
Identifiers: ClinVar variation 3693241 (VCV003693241.2).

ClinVar aggregate classification (germline): Uncertain significance (1 of 4 stars; one submission).

Submission:

Labcorp Genetics (formerly Invitae), Labcorp
Classification: Uncertain significance. Last evaluated: 2024-05-01. Review status: criteria provided, single submitter. Criteria: Invitae Variant Classification Sherloc (09022015). Collection method: clinical testing. Allele origin: germline.
Comment: This sequence change replaces isoleucine, which is neutral and non-polar, with asparagine, which is neutral and polar, at codon 114 of the CACNA2D4 protein (p.Ile114Asn). This variant is not present in population databases (gnomAD no frequency). This variant has not been reported in the literature in individuals affected with CACNA2D4-related conditions. An algorithm developed to predict the effect of missense changes on protein structure and function (PolyPhen-2) suggests that this variant is likely to be disruptive. In summary, the available evidence is currently insufficient to determine the role of this variant in disease. Therefore, it has been classified as a Variant of Uncertain Significance.